The following is an entry in ClinVar:

ClinVar aggregate classification (germline): Uncertain significance. Review status: criteria provided, multiple submitters, no conflicts (2 of 4 stars). 2 submissions from 2 submitters: Uncertain significance (2). Last evaluated 2025-12-08.

Conditions:
Inborn genetic diseases. Identifiers: MedGen C0950123, MeSH D030342.

Allele frequency attached by ClinVar (database versions not stated): TOPMed 0.00003.
gnomAD v4.1: 12 of 1,613,906 alleles (0.00074%); highest among the groups gnomAD compares: African/African-American, 0.016%; no homozygotes.

Submissions (2):

Ambry Genetics
Classification: Uncertain significance for Inborn genetic diseases. Last evaluated: 2025-12-08. Review status: criteria provided, single submitter. Criteria: Ambry Variant Classification Scheme 2023. Collection method: clinical testing. Allele origin: germline.

Labcorp Genetics (formerly Invitae), Labcorp
Classification: Uncertain significance. Last evaluated: 2022-05-15. Review status: criteria provided, single submitter. Criteria: Invitae Variant Classification Sherloc (09022015). Collection method: clinical testing. Allele origin: germline.
Comment: In summary, the available evidence is currently insufficient to determine the role of this variant in disease. Therefore, it has been classified as a Variant of Uncertain Significance. Algorithms developed to predict the effect of missense changes on protein structure and function are either unavailable or do not agree on the potential impact of this missense change (SIFT: "Deleterious"; PolyPhen-2: "Possibly Damaging"; Align-GVGD: "Class C0"). This variant has not been reported in the literature in individuals affected with RTTN-related conditions. This variant is present in population databases (rs756618140, gnomAD 0.03%). This sequence change replaces isoleucine, which is neutral and non-polar, with phenylalanine, which is neutral and non-polar, at codon 476 of the RTTN protein (p.Ile476Phe).

NM_173630.4(RTTN):c.1426A>T (p.Ile476Phe)

Gene: RTTN (rotatin; minus strand). Cytogenetic location: 18q22.2.
Variant type: single nucleotide variant.
Coding change: c.1426A>T on transcript NM_173630.4 (MANE Select); coding-DNA position 1426, A replaced by T.
Protein change: p.Ile476Phe; replaces isoleucine 476 with phenylalanine.
Molecular consequence: missense variant. On other transcripts: 5 prime UTR variant (1).
Genome position (GRCh38, 1-based): chr18:70,176,725, T>A on the plus strand (A>T on the coding strand, the complement: RTTN is on the minus strand). VCF-style: chr18-70176725-T-A. GRCh37 (hg19) VCF-style: chr18-67843961-T-A.
Other names: c.-1128A>T (NM_001318520.2); c.1426A>T (NM_173630.3); short protein forms I476F.
Identifiers: ClinVar variation 2420643 (VCV002420643.7), dbSNP rs756618140, ClinGen allele CA8996178.